The following is an entry in ClinVar:

NM_201253.3(CRB1):c.1145T>C (p.Val382Ala)

Gene: CRB1 (crumbs cell polarity complex component 1; plus strand). Cytogenetic location: 1q31.3.
Variant type: single nucleotide variant.
Coding change: c.1145T>C on transcript NM_201253.3 (MANE Select); coding-DNA position 1145, T replaced by C.
Protein change: p.Val382Ala; replaces valine 382 with alanine.
Molecular consequence: missense variant. On other transcripts: non-coding transcript variant (2).
Genome position (GRCh38, 1-based): chr1:197,356,987, T>C. VCF-style: chr1-197356987-T-C. GRCh37 (hg19) VCF-style: chr1-197326117-T-C.
Other names: c.809T>C, p.Val270Ala (NM_001193640.2); c.938T>C, p.Val313Ala (NM_001257965.2); c.1145T>C, p.Val382Ala (NM_001257966.2); c.1145T>C (NM_201253.2); short protein forms V270A, V313A, V382A.
Identifiers: ClinVar variation 2166741 (VCV002166741.3), dbSNP rs751072820, ClinGen allele CA1311818.
Genomic context (GRCh38, chr1:197,356,987, plus strand): 5'-AATATGGACGCATCACTGGACTGCCTTCTTCTTTCAGCTACCATGAAGCCTCAGGTTATG[T>C]CTGTATCTGTCAGCCTGGATTCACAGGTGAGGCCAAGGAGATGGGATATGACTTGACTTT-3'
Protein context (NP_957705.1, residues 372-392): SFSYHEASGY[Val382Ala]CICQPGFTGI

ClinVar aggregate classification (germline): Uncertain significance. Review status: criteria provided, multiple submitters, no conflicts (2 of 4 stars). 3 submissions from 3 submitters: Uncertain significance (3). Last evaluated 2025-09-30.

Conditions:
CRB1-related disorder. Also called: CRB1-related condition; CRB1-related disorders.
Retinitis pigmentosa 12 (RP12). Also called: RP WITH OR WITHOUT PRESERVED PARAARTERIOLE RETINAL PIGMENT EPITHELIUM; RETINITIS PIGMENTOSA WITH OR WITHOUT PARAARTERIOLAR PRESERVATION OF RETINAL PIGMENT EPITHELIUM; RP WITH OR WITHOUT PPRPE. Identifiers: Orphanet 791, MedGen C1838647, MONDO:0010818, OMIM 600105.
Leber congenital amaurosis 8 (LCA8). Identifiers: Orphanet 65, MedGen C3151202, MONDO:0013453, OMIM 613835.

Allele frequency attached by ClinVar (database versions not stated): ExAC 0.00001; gnomAD 0.00001; TOPMed 0.00001.
gnomAD v4.1: 25 of 1,614,086 alleles (0.0015%); highest among the groups gnomAD compares: Non-Finnish European, 0.0018%; no homozygotes.

Submissions (3):

PreventionGenetics, part of Exact Sciences
Classification: Uncertain significance for CRB1-related condition. Last evaluated: 2025-09-30. Review status: criteria provided, single submitter. Criteria: ACMG Guidelines, 2015. Collection method: clinical testing. Allele origin: germline.
Comment: The CRB1 c.1145T>C variant is predicted to result in the amino acid substitution p.Val382Ala. To our knowledge, this variant has not been reported in the literature. This variant is reported in 0.0018% of alleles in individuals of European (Non-Finnish) descent in gnomAD. At this time, the clinical significance of this variant is uncertain due to the absence of conclusive functional and genetic evidence.

Blueprint Genetics
Classification: Uncertain significance. Last evaluated: 2022-10-04. Review status: criteria provided, single submitter. Criteria: ACMG Guidelines, 2015. Collection method: clinical testing. Allele origin: germline.

Labcorp Genetics (formerly Invitae), Labcorp
Classification: Uncertain significance for Leber congenital amaurosis 8; Retinitis pigmentosa 12. Last evaluated: 2022-07-05. Review status: criteria provided, single submitter. Criteria: Invitae Variant Classification Sherloc (09022015). Collection method: clinical testing. Allele origin: germline.
Comment: This sequence change replaces valine, which is neutral and non-polar, with alanine, which is neutral and non-polar, at codon 382 of the CRB1 protein (p.Val382Ala). This variant is present in population databases (rs751072820, gnomAD 0.0009%). This variant has not been reported in the literature in individuals affected with CRB1-related conditions. Advanced modeling of protein sequence and biophysical properties (such as structural, functional, and spatial information, amino acid conservation, physicochemical variation, residue mobility, and thermodynamic stability) performed at Invitae indicates that this missense variant is not expected to disrupt CRB1 protein function. In summary, the available evidence is currently insufficient to determine the role of this variant in disease. Therefore, it has been classified as a Variant of Uncertain Significance.